The following is an entry in ClinVar:

NM_000238.4(KCNH2):c.3286C>A (p.Pro1096Thr)

Gene: KCNH2 (potassium voltage-gated channel subfamily H member 2; minus strand). Cytogenetic location: 7q36.1.
Variant type: single nucleotide variant.
Coding change: c.3286C>A on transcript NM_000238.4 (MANE Select); coding-DNA position 3286, C replaced by A.
Protein change: p.Pro1096Thr; replaces proline 1096 with threonine.
Molecular consequence: missense variant.
Genome position (GRCh38, 1-based): chr7:150,946,921, G>T on the plus strand (C>A on the coding strand, the complement: KCNH2 is on the minus strand). VCF-style: chr7-150946921-G-T. GRCh37 (hg19) VCF-style: chr7-150644009-G-T.
Other names: c.2266C>A, p.Pro756Thr (NM_172057.3); short protein forms P1096T, P756T.
Identifiers: ClinVar variation 456927 (VCV000456927.8), dbSNP rs1554423737, ClinGen allele CA369852018.
Genomic context (GRCh38, chr7:150,946,921, plus strand): 5'-CAGGGCTGGAGCTTACCTGAGAAAGCGAGTCCAAGGTGAGGGTGGGGAGGGGGCTGACGG[G>T]CAACAGCGGGGATGTGGAAGTGGGGCCAGGCCCCGGGGTGGTCACAGCACTGTAGGCGGG-3'
Protein context (NP_000229.1, residues 1086-1106): PGPTSTSPLL[Pro1096Thr]VSPLPTLTLD

ClinVar aggregate classification (germline): Uncertain significance (1 of 4 stars; one submission).

Conditions:
Long QT syndrome (LQTS). Identifiers: MedGen C0023976, MeSH D008133, MONDO:0002442. Disease mechanism: loss of function. Inheritance: Various modes of inheritance.

Submission:

Labcorp Genetics (formerly Invitae), Labcorp
Classification: Uncertain significance for Long QT syndrome. Last evaluated: 2017-02-28. Review status: criteria provided, single submitter. Criteria: Invitae Variant Classification Sherloc (09022015). Collection method: clinical testing. Allele origin: germline.
Comment: This sequence change replaces proline with threonine at codon 1096 of the KCNH2 protein (p.Pro1096Thr). The proline residue is moderately conserved and there is a small physicochemical difference between proline and threonine. This variant is not present in population databases (ExAC no frequency) and has not been reported in the literature in individuals with a KCNH2-related disease. In summary, this variant is a novel missense change that is not predicted to affect protein function. There is no indication that it causes disease, but the available evidence is currently insufficient to prove that conclusively. Therefore, it has been classified as a Variant of Uncertain Significance. Algorithms developed to predict the effect of missense changes on protein structure and function (SIFT, PolyPhen-2, Align-GVGD) all suggest that this variant is likely to be tolerated, but these predictions have not been confirmed by published functional studies.